The following is an entry in ClinVar:

ClinVar aggregate classification (germline): Likely pathogenic (1 of 4 stars; one submission).

Submission:

CeGaT Center for Human Genetics Tuebingen
Classification: Likely pathogenic. Last evaluated: 2023-02-01. Review status: criteria provided, single submitter. Criteria: CeGaT Center For Human Genetics Tuebingen Variant Classification Criteria Version 2. Collection method: clinical testing. Allele origin: germline. Affected: yes. Observed: 1 variant allele.
Comment: HCN1: PM2, PP2, PP3, PS2:Supporting, PS4:Supporting

NM_021072.4(HCN1):c.779C>T (p.Thr260Ile)

Gene: HCN1 (hyperpolarization activated cyclic nucleotide gated potassium channel 1; minus strand). Cytogenetic location: 5p12.
Variant type: single nucleotide variant.
Coding change: c.779C>T on transcript NM_021072.4 (MANE Select); coding-DNA position 779, C replaced by T.
Protein change: p.Thr260Ile; replaces threonine 260 with isoleucine.
Molecular consequence: missense variant.
Genome position (GRCh38, 1-based): chr5:45,645,255, G>A on the plus strand (C>T on the coding strand, the complement: HCN1 is on the minus strand). VCF-style: chr5-45645255-G-A. GRCh37 (hg19) VCF-style: chr5-45645357-G-A.
Other names: short protein forms T260I.
Identifiers: ClinVar variation 2498972 (VCV002498972.28), dbSNP rs2478543222, ClinGen allele CA359707129.
Genomic context (GRCh38, chr5:45,645,255, plus strand): 5'-TGATGTATGTATCTAATTAACCTTGAAAGTCGTAATAAACGCAAGAGACTGAGAATTTTT[G>A]TAAACCTCACAATGCGAAGTGCCCTGGCTGTCTTGTAAACTTCAGAATCCATTCCTTTTT-3'
Protein context (NP_066550.2, residues 250-270): TARALRIVRF[Thr260Ile]KILSLLRLLR